The following is an entry in ClinVar:

ClinVar aggregate classification (germline): Uncertain significance (1 of 4 stars; one submission).

gnomAD v4.1: 1 of 1,613,444 alleles (0.000062%); highest among the groups gnomAD compares: African/African-American, 0.0013%; no homozygotes.

Submission:

Labcorp Genetics (formerly Invitae), Labcorp
Classification: Uncertain significance. Last evaluated: 2024-09-18. Review status: criteria provided, single submitter. Criteria: Invitae Variant Classification Sherloc (09022015). Collection method: clinical testing. Allele origin: germline.
Comment: This sequence change replaces arginine, which is basic and polar, with tryptophan, which is neutral and slightly polar, at codon 823 of the MYH9 protein (p.Arg823Trp). This variant is not present in population databases (gnomAD no frequency). This variant has not been reported in the literature in individuals affected with MYH9-related conditions. Invitae Evidence Modeling of protein sequence and biophysical properties (such as structural, functional, and spatial information, amino acid conservation, physicochemical variation, residue mobility, and thermodynamic stability) has been performed for this missense variant. However, the output from this modeling did not meet the statistical confidence thresholds required to predict the impact of this variant on MYH9 protein function. In summary, the available evidence is currently insufficient to determine the role of this variant in disease. Therefore, it has been classified as a Variant of Uncertain Significance.

NM_002473.6(MYH9):c.2467C>T (p.Arg823Trp)

Gene: MYH9 (myosin heavy chain 9; minus strand). Cytogenetic location: 22q12.3.
Variant type: single nucleotide variant.
Coding change: c.2467C>T on transcript NM_002473.6 (MANE Select); coding-DNA position 2467, C replaced by T.
Protein change: p.Arg823Trp; replaces arginine 823 with tryptophan.
Molecular consequence: missense variant.
Genome position (GRCh38, 1-based): chr22:36,302,600, G>A on the plus strand (C>T on the coding strand, the complement: MYH9 is on the minus strand). VCF-style: chr22-36302600-G-A. GRCh37 (hg19) VCF-style: chr22-36698646-G-A.
Other names: short protein forms R823W.
Identifiers: ClinVar variation 3718025 (VCV003718025.2).